The following is an entry in ClinVar:

NM_004370.6(COL12A1):c.601G>C (p.Asp201His)

Gene: COL12A1 (collagen type XII alpha 1 chain; minus strand). Cytogenetic location: 6q13.
Variant type: single nucleotide variant.
Coding change: c.601G>C on transcript NM_004370.6 (MANE Select); coding-DNA position 601, G replaced by C.
Protein change: p.Asp201His; replaces aspartic acid 201 with histidine.
Molecular consequence: missense variant. On other transcripts: intron variant (2).
Genome position (GRCh38, 1-based): chr6:75,189,609, C>G on the plus strand (G>C on the coding strand, the complement: COL12A1 is on the minus strand). VCF-style: chr6-75189609-C-G. GRCh37 (hg19) VCF-style: chr6-75899325-C-G.
Other names: c.601G>C, p.Asp201His (NM_001424113.1, NM_001424114.1, NM_001424115.1); c.73+13111G>C (NM_001424116.1, NM_080645.3); short protein forms D201H.
Identifiers: ClinVar variation 4783485 (VCV004783485.1).
Genomic context (GRCh38, chr6:75,189,609, plus strand): 5'-TACCTGTCATTGTGTTGCCACCTTTATATGGAATTTTTTTTATTGCAGCAAGAAGTTCAT[C>G]CCTTTGGTAGTACTGATTTAAGTTAAATTCAGTCCTGGTATCAGAGCTGTATTGAACAAC-3'
Protein context (NP_004361.3, residues 191-211): EFNLNQYYQR[Asp201His]ELLAAIKKIP

ClinVar aggregate classification (germline): Uncertain significance (1 of 4 stars; one submission).

Conditions:
Ullrich congenital muscular dystrophy 2 (UCMD2). Identifiers: Orphanet 75840, MedGen C4225314, MONDO:0014654, OMIM 616470.
Bethlem myopathy 2 (BTHLM2). Identifiers: Orphanet 536516, Orphanet 610, MedGen C4225313, MONDO:0034022, OMIM 616471.

Submission:

Labcorp Genetics (formerly Invitae), Labcorp
Classification: Uncertain significance for Bethlem myopathy 2; Ullrich congenital muscular dystrophy 2. Last evaluated: 2025-08-14. Review status: criteria provided, single submitter. Criteria: Invitae Variant Classification Sherloc (09022015). Collection method: clinical testing. Allele origin: germline.
Comment: This sequence change replaces aspartic acid, which is acidic and polar, with histidine, which is basic and polar, at codon 201 of the COL12A1 protein (p.Asp201His). This variant is not present in population databases (gnomAD no frequency). This variant has not been reported in the literature in individuals affected with COL12A1-related conditions. Invitae Evidence Modeling of protein sequence and biophysical properties (such as structural, functional, and spatial information, amino acid conservation, physicochemical variation, residue mobility, and thermodynamic stability) indicates that this missense variant is not expected to disrupt COL12A1 protein function with a negative predictive value of 80%. In summary, the available evidence is currently insufficient to determine the role of this variant in disease. Therefore, it has been classified as a Variant of Uncertain Significance.